The following is an entry in ClinVar:

NM_001282534.2(KCNK9):c.1070G>T (p.Gly357Val)

Gene: KCNK9 (potassium two pore domain channel subfamily K member 9; minus strand). Cytogenetic location: 8q24.3.
Variant type: single nucleotide variant.
Coding change: c.1070G>T on transcript NM_001282534.2 (MANE Select); coding-DNA position 1070, G replaced by T.
Protein change: p.Gly357Val; replaces glycine 357 with valine.
Molecular consequence: missense variant. On other transcripts: non-coding transcript variant (1).
Genome position (GRCh38, 1-based): chr8:139,618,313, C>A on the plus strand (G>T on the coding strand, the complement: KCNK9 is on the minus strand). VCF-style: chr8-139618313-C-A. GRCh37 (hg19) VCF-style: chr8-140630556-C-A.
Other names: short protein forms G357V.
Identifiers: ClinVar variation 4975474 (VCV004975474.1).

ClinVar aggregate classification (germline): Uncertain significance (1 of 4 stars; one submission).

Submission:

GeneDx
Classification: Uncertain significance. Last evaluated: 2026-01-29. Review status: criteria provided, single submitter. Criteria: GeneDx Variant Classification Process June 2021. Collection method: clinical testing. Allele origin: germline.
Comment: Not observed at significant frequency in large population cohorts (gnomAD); In silico analysis supports that this missense variant has a deleterious effect on protein structure/function; Has not been previously published as pathogenic or benign to our knowledge